The following is an entry in ClinVar:

NM_000360.4(TH):c.599G>A (p.Arg200His)

Gene: TH (tyrosine hydroxylase; minus strand). Cytogenetic location: 11p15.5.
Variant type: single nucleotide variant.
Coding change: c.599G>A on transcript NM_000360.4 (MANE Select); coding-DNA position 599, G replaced by A.
Protein change: p.Arg200His; replaces arginine 200 with histidine.
Molecular consequence: missense variant.
Genome position (GRCh38, 1-based): chr11:2,167,911, C>T on the plus strand (G>A on the coding strand, the complement: TH is on the minus strand). VCF-style: chr11-2167911-C-T. GRCh37 (hg19) VCF-style: chr11-2189141-C-T.
Other names: c.692G>A (NM_199292.2); c.692G>A, p.Arg231His (NM_199292.3); c.680G>A, p.Arg227His (NM_199293.3); short protein forms R231H, R227H, R200H.
Identifiers: ClinVar variation 424968 (VCV000424968.54), dbSNP rs201224335, ClinGen allele CA5818580.

ClinVar aggregate classification (germline): Conflicting classifications of pathogenicity. Review status: criteria provided, conflicting classifications (1 of 4 stars). 7 submissions from 7 submitters: Likely pathogenic (1); Uncertain significance (6). Last evaluated 2025-06-24.

Conditions:
Inborn genetic diseases. Identifiers: MedGen C0950123, MeSH D030342.
TH-deficient dopa-responsive dystonia. Also called: Segawa syndrome, autosomal recessive; DYT-TH; Tyrosine Hydroxylase-Deficient Dopa-Responsive Dystonia. Identifiers: Orphanet 101150, MedGen C2673535, MONDO:0011551, OMIM 605407.

Allele frequency attached by ClinVar (database versions not stated): TOPMed 0.00002; gnomAD 0.00004; gnomAD exomes 0.00007; ExAC 0.00008; ESP Exome Variant Server 0.00023.
gnomAD v4.1: 274 of 1,610,994 alleles (0.017%); highest among the groups gnomAD compares: Non-Finnish European, 0.022%; no homozygotes.

Submissions (7):

Ambry Genetics
Classification: Uncertain significance for Inborn genetic diseases. Last evaluated: 2025-06-24. Review status: criteria provided, single submitter. Criteria: Ambry Variant Classification Scheme 2023. Collection method: clinical testing. Allele origin: germline.

Labcorp Genetics (formerly Invitae), Labcorp
Classification: Uncertain significance for TH-deficient dopa-responsive dystonia. Last evaluated: 2022-07-19. Review status: criteria provided, single submitter. Criteria: Invitae Variant Classification Sherloc (09022015). Collection method: clinical testing. Allele origin: germline.
Comment: This sequence change replaces arginine, which is basic and polar, with histidine, which is basic and polar, at codon 231 of the TH protein (p.Arg231His). This variant is present in population databases (rs201224335, gnomAD 0.01%). This missense change has been observed in individual(s) with dystonia (PMID: 29405179). This variant is also known as c.698G>A (p.R227H). ClinVar contains an entry for this variant (Variation ID: 424968). Advanced modeling of protein sequence and biophysical properties (such as structural, functional, and spatial information, amino acid conservation, physicochemical variation, residue mobility, and thermodynamic stability) performed at Invitae indicates that this missense variant is expected to disrupt TH protein function. In summary, the available evidence is currently insufficient to determine the role of this variant in disease. Therefore, it has been classified as a Variant of Uncertain Significance.

Genome-Nilou Lab
Classification: Uncertain significance for TH-deficient dopa-responsive dystonia. Last evaluated: 2021-07-22. Review status: criteria provided, single submitter. Criteria: ACMG Guidelines, 2015. Collection method: clinical testing. Allele origin: germline. Affected: no.

Pars Genome Lab
Classification: Uncertain significance for TH-deficient dopa-responsive dystonia. Last evaluated: 2021-05-18. Review status: criteria provided, single submitter. Criteria: ACMG Guidelines, 2015. Collection method: clinical testing. Allele origin: germline. Affected: no.

Illumina Laboratory Services, Illumina
Classification: Uncertain significance for TH-deficient dopa-responsive dystonia. Last evaluated: 2018-01-13. Review status: criteria provided, single submitter. Criteria: ICSL Variant Classification Criteria 13 December 2019. Collection method: clinical testing. Allele origin: germline.

CeGaT Center for Human Genetics Tuebingen
Classification: Uncertain significance. Last evaluated: 2017-01-01. Review status: criteria provided, single submitter. Criteria: CeGaT Center For Human Genetics Tuebingen Variant Classification Criteria Version 2. Collection method: clinical testing. Allele origin: germline. Affected: yes. Observed: 1 variant allele.

Kariminejad - Najmabadi Pathology & Genetics Center
Classification: Likely pathogenic for TH-deficient dopa-responsive dystonia. Review status: criteria provided, single submitter. Criteria: ACMG Guidelines, 2015. Collection method: clinical testing. Allele origin: germline. Affected: no.

Literature cited by the submitters: PubMed 29405179 (cited by Labcorp Genetics (formerly Invitae), Labcorp).